The following is an entry in ClinVar:

ClinVar aggregate classification (germline): Uncertain significance (1 of 4 stars; one submission).

Conditions:
Fanconi anemia (FA). Also called: Fanconi's anemia. Identifiers: Orphanet 84, MedGen C0015625, MeSH D005199, MONDO:0019391.

Allele frequency attached by ClinVar (database versions not stated): TOPMed below 0.00001.
gnomAD v4.1: 18 of 1,614,174 alleles (0.0011%); highest among the groups gnomAD compares: South Asian, 0.0099%; no homozygotes.

Submission:

Labcorp Genetics (formerly Invitae), Labcorp
Classification: Uncertain significance for Fanconi anemia. Last evaluated: 2022-04-05. Review status: criteria provided, single submitter. Criteria: Invitae Variant Classification Sherloc (09022015). Collection method: clinical testing. Allele origin: germline.
Comment: This sequence change replaces glycine, which is neutral and non-polar, with valine, which is neutral and non-polar, at codon 537 of the FANCC protein (p.Gly537Val). This variant is present in population databases (rs775430136, gnomAD 0.03%). This variant has not been reported in the literature in individuals affected with FANCC-related conditions. Algorithms developed to predict the effect of missense changes on protein structure and function (SIFT, PolyPhen-2, Align-GVGD) all suggest that this variant is likely to be tolerated. In summary, the available evidence is currently insufficient to determine the role of this variant in disease. Therefore, it has been classified as a Variant of Uncertain Significance.

NM_000136.3(FANCC):c.1610G>T (p.Gly537Val)

Genes: AOPEP (aminopeptidase O (putative); plus strand), FANCC (FA complementation group C; minus strand). Cytogenetic location: 9q22.32.
Variant type: single nucleotide variant.
Coding change: c.1610G>T on transcript NM_000136.3 (MANE Select); coding-DNA position 1610, G replaced by T.
Protein change: p.Gly537Val; replaces glycine 537 with valine.
Molecular consequence: missense variant.
Genome position (GRCh38, 1-based): chr9:95,101,774, C>A on the plus strand (G>T on the coding strand, the complement: FANCC is on the minus strand). VCF-style: chr9-95101774-C-A. GRCh37 (hg19) VCF-style: chr9-97864056-C-A.
Other names: c.1610G>T, p.Gly537Val (NM_001243743.2); short protein forms G537V.
Identifiers: ClinVar variation 1983431 (VCV001983431.1), dbSNP rs775430136, ClinGen allele CA5137291.